The following is an entry in ClinVar:

NM_001605.3(AARS1):c.397C>G (p.Leu133Val)

Gene: AARS1 (alanyl-tRNA synthetase 1; minus strand). Cytogenetic location: 16q22.1.
Variant type: single nucleotide variant.
Coding change: c.397C>G on transcript NM_001605.3 (MANE Select); coding-DNA position 397, C replaced by G.
Protein change: p.Leu133Val; replaces leucine 133 with valine.
Molecular consequence: missense variant.
Genome position (GRCh38, 1-based): chr16:70,276,568, G>C on the plus strand (C>G on the coding strand, the complement: AARS1 is on the minus strand). VCF-style: chr16-70276568-G-C. GRCh37 (hg19) VCF-style: chr16-70310471-G-C.
Other names: short protein forms L133V.
Identifiers: ClinVar variation 1962407 (VCV001962407.5), dbSNP rs747033926, ClinGen allele CA396568896.

ClinVar aggregate classification (germline): Uncertain significance (1 of 4 stars; one submission).

Conditions:
Charcot-Marie-Tooth disease type 2. Also called: Charcot-Marie-Tooth type 2. Identifiers: Orphanet 64746, MedGen C0270914, MONDO:0018993.

gnomAD v4.1: 1 of 1,614,108 alleles (0.000062%); no homozygotes.

Submission:

Labcorp Genetics (formerly Invitae), Labcorp
Classification: Uncertain significance for Charcot-Marie-Tooth disease type 2. Last evaluated: 2025-01-27. Review status: criteria provided, single submitter. Criteria: Invitae Variant Classification Sherloc (09022015). Collection method: clinical testing. Allele origin: germline.
Comment: This sequence change replaces leucine, which is neutral and non-polar, with valine, which is neutral and non-polar, at codon 133 of the AARS protein (p.Leu133Val). This variant is not present in population databases (gnomAD no frequency). This variant has not been reported in the literature in individuals affected with AARS-related conditions. ClinVar contains an entry for this variant (Variation ID: 1962407). Invitae Evidence Modeling of protein sequence and biophysical properties (such as structural, functional, and spatial information, amino acid conservation, physicochemical variation, residue mobility, and thermodynamic stability) indicates that this missense variant is not expected to disrupt AARS protein function with a negative predictive value of 80%. In summary, the available evidence is currently insufficient to determine the role of this variant in disease. Therefore, it has been classified as a Variant of Uncertain Significance.